The following is an entry in ClinVar:

ClinVar aggregate classification (germline): Benign/Likely benign. Review status: criteria provided, multiple submitters, no conflicts (2 of 4 stars). 8 submissions from 8 submitters: Benign (7); Likely benign (1). Last evaluated 2026-02-04.

Conditions:
Fanconi anemia (FA). Also called: Fanconi's anemia. Identifiers: Orphanet 84, MedGen C0015625, MeSH D005199, MONDO:0019391.
Fanconi anemia complementation group I (FANCI). Also called: FANCI-Related Fanconi Anemia. Identifiers: Orphanet 84, MedGen C1836861, MONDO:0012186, OMIM 609053.

Allele frequency attached by ClinVar (database versions not stated): gnomAD 0.07285; 1000 Genomes Project 0.07887; 1000 Genomes Project 30x 0.08339; TOPMed 0.08394; ESP Exome Variant Server 0.08471.
gnomAD v4.1: 27,197 of 1,613,882 alleles (1.7%); highest among the groups gnomAD compares: African/African-American, 24%; 2,370 homozygotes.

Submissions (8):

Labcorp Genetics (formerly Invitae), Labcorp
Classification: Benign for Fanconi anemia. Last evaluated: 2026-02-04. Review status: criteria provided, single submitter. Criteria: Invitae Variant Classification Sherloc (09022015). Collection method: clinical testing. Allele origin: germline.

ARUP Laboratories, Molecular Genetics and Genomics, ARUP Laboratories
Classification: Benign for Fanconi anemia complementation group I. Last evaluated: 2025-05-21. Review status: criteria provided, single submitter. Criteria: ARUP Molecular Germline Variant Investigation Process 2024. Collection method: clinical testing. Allele origin: germline.

Blueprint Genetics
Classification: Likely benign. Last evaluated: 2024-11-27. Review status: criteria provided, single submitter. Criteria: ACMG Guidelines, 2015. Collection method: clinical testing. Allele origin: germline.

KCCC/NGS Laboratory, Kuwait Cancer Control Center
Classification: Benign for Fanconi anemia complementation group I. Last evaluated: 2023-07-07. Review status: criteria provided, single submitter. Criteria: ACMG Guidelines, 2015. Collection method: clinical testing. Allele origin: germline. Affected: yes.

GeneDx
Classification: Benign. Last evaluated: 2019-03-01. Review status: criteria provided, single submitter. Criteria: GeneDx Variant Classification Process June 2021. Collection method: clinical testing. Allele origin: germline. Affected: yes.

Illumina Laboratory Services, Illumina
Classification: Benign for Fanconi anemia complementation group I. Last evaluated: 2018-01-13. Review status: criteria provided, single submitter. Criteria: ICSL Variant Classification Criteria 13 December 2019. Collection method: clinical testing. Allele origin: germline.
Comment: This variant was observed in the ICSL laboratory as part of a predisposition screen in an ostensibly healthy population. It had not been previously curated by ICSL or reported in the Human Gene Mutation Database (HGMD: prior to June 1st, 2018), and was therefore a candidate for classification through an automated scoring system. Utilizing variant allele frequency, disease prevalence and penetrance estimates, and inheritance mode, an automated score was calculated to assess if this variant is too frequent to cause the disease. Based on the score and internal cut-off values, a variant classified as benign is not then subjected to further curation. The score for this variant resulted in a classification of benign for this disease.

Breakthrough Genomics
Classification: Benign. Review status: criteria provided, single submitter. Criteria: ACMG Guidelines, 2015. Collection method: not provided. Allele origin: germline. Inheritance: Autosomal recessive inheritance. Affected: yes.

PreventionGenetics, part of Exact Sciences
Classification: Benign. Review status: criteria provided, single submitter. Criteria: ACMG Guidelines, 2015. Collection method: clinical testing. Allele origin: germline.

NM_001113378.2(FANCI):c.2367G>T (p.Ala789=)

Gene: FANCI (FA complementation group I; plus strand). Cytogenetic location: 15q26.1.
Variant type: single nucleotide variant.
Coding change: c.2367G>T on transcript NM_001113378.2 (MANE Select); coding-DNA position 2367, G replaced by T.
Protein change: p.Ala789=; no amino-acid change (alanine 789 retained).
Molecular consequence: synonymous variant.
Genome position (GRCh38, 1-based): chr15:89,293,908, G>T. VCF-style: chr15-89293908-G-T. GRCh37 (hg19) VCF-style: chr15-89837139-G-T.
Other names: c.2088G>T, p.Ala696= (NM_001376910.1); c.2367G>T, p.Ala789= (NM_001376911.1, NM_018193.3).
Identifiers: ClinVar variation 257483 (VCV000257483.30), dbSNP rs11857960, ClinGen allele CA7723363.